The following is an entry in ClinVar:

ClinVar aggregate classification (germline): Pathogenic (1 of 4 stars; one submission).

Submission:

Labcorp Genetics (formerly Invitae), Labcorp
Classification: Pathogenic. Last evaluated: 2024-04-10. Review status: criteria provided, single submitter. Criteria: Invitae Variant Classification Sherloc (09022015). Collection method: clinical testing. Allele origin: germline.
Comment: This sequence change creates a premature translational stop signal (p.Ser518*) in the MAP3K20 gene. It is expected to result in an absent or disrupted protein product. Loss-of-function variants in MAP3K20 are known to be pathogenic (PMID: 27816943). This variant is not present in population databases (gnomAD no frequency). This variant has not been reported in the literature in individuals affected with MAP3K20-related conditions. Algorithms developed to predict the effect of sequence changes on RNA splicing suggest that this variant may disrupt the consensus splice site. For these reasons, this variant has been classified as Pathogenic.

Literature cited by the submitters: PubMed 27816943.

NC_000002.12:g.173263743AG[1]

Genes: MAP3K20 (mitogen-activated protein kinase kinase kinase 20; plus strand), MAP3K20-AS1 (MAP3K20 antisense RNA 1; minus strand). Cytogenetic location: 2q31.1.
Variant type: Microsatellite.
Genome position: GRCh38 VCF-style: chr2-173263742-CAG-C. GRCh37 (hg19) VCF-style: chr2-174128470-CAG-C.
Identifiers: ClinVar variation 2000650 (VCV002000650.5), dbSNP rs2468316009, ClinGen allele CA2580614416.